The following is an entry in ClinVar:

ClinVar aggregate classification (germline): Uncertain significance (1 of 4 stars; one submission).

Submission:

Labcorp Genetics (formerly Invitae), Labcorp
Classification: Uncertain significance. Last evaluated: 2021-03-14. Review status: criteria provided, single submitter. Criteria: Invitae Variant Classification Sherloc (09022015). Collection method: clinical testing. Allele origin: germline.
Comment: In summary, the available evidence is currently insufficient to determine the role of this variant in disease. Therefore, it has been classified as a Variant of Uncertain Significance. Algorithms developed to predict the effect of sequence changes on RNA splicing suggest that this variant may disrupt the consensus splice site, but this prediction has not been confirmed by published transcriptional studies. This variant has not been reported in the literature in individuals with MYLK3-related conditions. This variant is not present in population databases (ExAC no frequency). This sequence change affects an acceptor splice site in intron 11 of the MYLK3 gene. It is expected to disrupt RNA splicing. Variants that disrupt the donor or acceptor splice site typically lead to a loss of protein function (PMID: 16199547), however the current clinical and genetic evidence is not sufficient to establish whether loss-of-function variants in MYLK3 cause disease.

Literature cited by the submitters: PubMed 16199547.

NM_182493.3(MYLK3):c.2268-2A>C

Gene: MYLK3 (myosin light chain kinase 3; minus strand). Cytogenetic location: 16q11.2.
Variant type: single nucleotide variant.
Coding change: c.2268-2A>C on transcript NM_182493.3 (MANE Select); the canonical splice acceptor site of the intron before coding-DNA position 2268, A replaced by C.
Molecular consequence: splice acceptor variant.
Genome position (GRCh38, 1-based): chr16:46,709,673, T>G on the plus strand (A>C on the coding strand, the complement: MYLK3 is on the minus strand). VCF-style: chr16-46709673-T-G. GRCh37 (hg19) VCF-style: chr16-46743585-T-G.
Other names: c.1245-2A>C (NM_001308301.1).
Identifiers: ClinVar variation 1516670 (VCV001516670.8), dbSNP rs2143012390, ClinGen allele CA395786299.